The following is an entry in ClinVar:

ClinVar aggregate classification (germline): Uncertain significance (1 of 4 stars; one submission).

Allele frequency attached by ClinVar (database versions not stated): gnomAD exomes below 0.00001.
gnomAD v4.1: 1 of 1,613,056 alleles (0.000062%); highest among the groups gnomAD compares: Non-Finnish European, 0.000085%; no homozygotes.

Submission:

Labcorp Genetics (formerly Invitae), Labcorp
Classification: Uncertain significance. Last evaluated: 2025-06-20. Review status: criteria provided, single submitter. Criteria: Invitae Variant Classification Sherloc (09022015). Collection method: clinical testing. Allele origin: germline.
Comment: This sequence change replaces lysine, which is basic and polar, with glutamic acid, which is acidic and polar, at codon 139 of the ATAD1 protein (p.Lys139Glu). This variant is not present in population databases (gnomAD no frequency). This variant has not been reported in the literature in individuals affected with ATAD1-related conditions. ClinVar contains an entry for this variant (Variation ID: 2013352). An algorithm developed to predict the effect of missense changes on protein structure and function (PolyPhen-2) suggests that this variant is likely to be disruptive. In summary, the available evidence is currently insufficient to determine the role of this variant in disease. Therefore, it has been classified as a Variant of Uncertain Significance.

NM_001321967.2(ATAD1):c.415A>G (p.Lys139Glu)

Gene: ATAD1 (ATPase family AAA domain containing 1; minus strand). Cytogenetic location: 10q23.31.
Variant type: single nucleotide variant.
Coding change: c.415A>G on transcript NM_001321967.2 (MANE Select); coding-DNA position 415, A replaced by G.
Protein change: p.Lys139Glu; replaces lysine 139 with glutamic acid.
Molecular consequence: missense variant. On other transcripts: non-coding transcript variant (1).
Genome position (GRCh38, 1-based): chr10:87,784,638, T>C on the plus strand (A>G on the coding strand, the complement: ATAD1 is on the minus strand). VCF-style: chr10-87784638-T-C. GRCh37 (hg19) VCF-style: chr10-89544395-T-C.
Other names: c.415A>G, p.Lys139Glu (NM_001321968.2, NM_032810.4); c.58A>G, p.Lys20Glu (NM_001321969.2); short protein forms K139E, K20E.
Identifiers: ClinVar variation 2013352 (VCV002013352.4), dbSNP rs2493174827, ClinGen allele CA377491390.